The following is an entry in ClinVar:

ClinVar aggregate classification (germline): Likely benign (1 of 4 stars; one submission).

gnomAD v4.1: 5 of 1,614,166 alleles (0.00031%); highest among the groups gnomAD compares: African/African-American, 0.0013%; no homozygotes.

Submission:

CeGaT Center for Human Genetics Tuebingen
Classification: Likely benign. Last evaluated: 2026-07-01. Review status: criteria provided, single submitter. Criteria: CeGaT Center For Human Genetics Tuebingen Variant Classification Criteria Version 2. Collection method: clinical testing. Allele origin: germline. Affected: yes. Observed: 1 variant allele.
Comment: SPEN: BP4, BS2

NM_015001.3(SPEN):c.5123C>T (p.Pro1708Leu)

Gene: SPEN (spen family transcriptional repressor; plus strand). Cytogenetic location: 1p36.13.
Variant type: single nucleotide variant.
Coding change: c.5123C>T on transcript NM_015001.3 (MANE Select); coding-DNA position 5123, C replaced by T.
Protein change: p.Pro1708Leu; replaces proline 1708 with leucine.
Molecular consequence: missense variant.
Genome position (GRCh38, 1-based): chr1:15,931,363, C>T. VCF-style: chr1-15931363-C-T. GRCh37 (hg19) VCF-style: chr1-16257858-C-T.
Other names: short protein forms P1708L.
Identifiers: ClinVar variation 5040249 (VCV005040249.1).